The following is an entry in ClinVar:

NM_000254.3(MTR):c.*2391G>C

Gene: MTR (5-methyltetrahydrofolate-homocysteine methyltransferase; plus strand). Cytogenetic location: 1q43.
Variant type: single nucleotide variant.
Coding change: c.*2391G>C on transcript NM_000254.3 (MANE Select); 2391 bases downstream of the stop codon, G replaced by C.
Molecular consequence: 3 prime UTR variant.
Genome position (GRCh38, 1-based): chr1:236,900,035, G>C. VCF-style: chr1-236900035-G-C. GRCh37 (hg19) VCF-style: chr1-237063335-G-C.
Other names: c.*2391G>C (NM_001291939.1, NM_001291940.2).
Identifiers: ClinVar variation 296631 (VCV000296631.6), dbSNP rs1050996, ClinGen allele CA10610673.

ClinVar aggregate classification (germline): Benign. Review status: criteria provided, multiple submitters, no conflicts (2 of 4 stars). 2 submissions from 2 submitters: Benign (2). Last evaluated 2018-01-12.

Conditions:
Disorders of Intracellular Cobalamin Metabolism. Identifiers: MedGen CN043592.

Allele frequency attached by ClinVar (database versions not stated): gnomAD 0.68841 and 0.68864; TOPMed 0.69508; 1000 Genomes Project 0.73283; 1000 Genomes Project 30x 0.73423.
gnomAD v4.1: 170,426 of 251,730 alleles (68%); highest among the groups gnomAD compares: East Asian, 82%; 58,725 homozygotes.

Submissions (2):

Illumina Laboratory Services, Illumina
Classification: Benign for Disorders of Intracellular Cobalamin Metabolism. Last evaluated: 2018-01-12. Review status: criteria provided, single submitter. Criteria: ICSL Variant Classification Criteria 13 December 2019. Collection method: clinical testing. Allele origin: germline.
Comment: This variant was observed in the ICSL laboratory as part of a predisposition screen in an ostensibly healthy population. It had not been previously curated by ICSL or reported in the Human Gene Mutation Database (HGMD: prior to June 1st, 2018), and was therefore a candidate for classification through an automated scoring system. Utilizing variant allele frequency, disease prevalence and penetrance estimates, and inheritance mode, an automated score was calculated to assess if this variant is too frequent to cause the disease. Based on the score and internal cut-off values, a variant classified as benign is not then subjected to further curation. The score for this variant resulted in a classification of benign for this disease.

Breakthrough Genomics
Classification: Benign. Review status: criteria provided, single submitter. Criteria: ACMG Guidelines, 2015. Collection method: not provided. Allele origin: germline. Inheritance: Autosomal recessive inheritance. Affected: yes.